The following is an entry in ClinVar:

NM_032776.3(JMJD1C):c.2275A>G (p.Thr759Ala)

Gene: JMJD1C (jumonji domain containing 1C; minus strand). Cytogenetic location: 10q21.3.
Variant type: single nucleotide variant.
Coding change: c.2275A>G on transcript NM_032776.3 (MANE Select); coding-DNA position 2275, A replaced by G.
Protein change: p.Thr759Ala; replaces threonine 759 with alanine.
Molecular consequence: missense variant. On other transcripts: non-coding transcript variant (1).
Genome position (GRCh38, 1-based): chr10:63,213,892, T>C on the plus strand (A>G on the coding strand, the complement: JMJD1C is on the minus strand). VCF-style: chr10-63213892-T-C. GRCh37 (hg19) VCF-style: chr10-64973652-T-C.
Other names: c.1729A>G, p.Thr577Ala (NM_001282948.2, NM_001318154.2); c.1411A>G, p.Thr471Ala (NM_001318153.2); c.2161A>G, p.Thr721Ala (NM_001322252.2); c.1618A>G, p.Thr540Ala (NM_001322254.2, NM_001322258.2); c.2275A>G (NM_032776.1); short protein forms T721A, T759A, T540A, T577A, T471A.
Identifiers: ClinVar variation 2151526 (VCV002151526.6), dbSNP rs1311396036, ClinGen allele CA377046316.

ClinVar aggregate classification (germline): Uncertain significance. Review status: criteria provided, multiple submitters, no conflicts (2 of 4 stars). 2 submissions from 2 submitters: Uncertain significance (2). Last evaluated 2025-12-10.

Conditions:
Early Myoclonic Encephalopathy. Identifiers: MedGen C0270855.

Allele frequency attached by ClinVar (database versions not stated): TOPMed below 0.00001; gnomAD 0.00002; gnomAD exomes 0.00001.
gnomAD v4.1: 22 of 1,613,724 alleles (0.0014%); highest among the groups gnomAD compares: Non-Finnish European, 0.0018%; no homozygotes.

Submissions (2):

Ambry Genetics
Classification: Uncertain significance. Last evaluated: 2025-12-10. Review status: criteria provided, single submitter. Criteria: Ambry Variant Classification Scheme 2023. Collection method: clinical testing. Allele origin: germline.

Labcorp Genetics (formerly Invitae), Labcorp
Classification: Uncertain significance for Early Myoclonic Encephalopathy. Last evaluated: 2022-01-17. Review status: criteria provided, single submitter. Criteria: Invitae Variant Classification Sherloc (09022015). Collection method: clinical testing. Allele origin: germline.
Comment: In summary, the available evidence is currently insufficient to determine the role of this variant in disease. Therefore, it has been classified as a Variant of Uncertain Significance. Algorithms developed to predict the effect of sequence changes on RNA splicing suggest that this variant may create or strengthen a splice site. Algorithms developed to predict the effect of missense changes on protein structure and function (SIFT, PolyPhen-2, Align-GVGD) all suggest that this variant is likely to be tolerated. This variant has not been reported in the literature in individuals affected with JMJD1C-related conditions. This variant is present in population databases (no rsID available, gnomAD 0.007%). This sequence change replaces threonine, which is neutral and polar, with alanine, which is neutral and non-polar, at codon 759 of the JMJD1C protein (p.Thr759Ala).